The following is an entry in ClinVar:

NM_001082486.2(ACD):c.1318G>A (p.Ala440Thr)

Gene: ACD (ACD shelterin complex subunit and telomerase recruitment factor; minus strand). Cytogenetic location: 16q22.1.
Variant type: single nucleotide variant.
Coding change: c.1318G>A on transcript NM_001082486.2 (MANE Select); coding-DNA position 1318, G replaced by A.
Protein change: p.Ala440Thr; replaces alanine 440 with threonine.
Molecular consequence: missense variant.
Genome position (GRCh38, 1-based): chr16:67,657,665, C>T on the plus strand (G>A on the coding strand, the complement: ACD is on the minus strand). VCF-style: chr16-67657665-C-T. GRCh37 (hg19) VCF-style: chr16-67691568-C-T.
Other names: c.1231G>A, p.Ala411Thr (NM_001410884.1); c.1309G>A, p.Ala437Thr (NM_022914.3); short protein forms A411T, A440T, A437T.
Identifiers: ClinVar variation 2452453 (VCV002452453.2), dbSNP rs2543595859, ClinGen allele CA396349692.

ClinVar aggregate classification (germline): Uncertain significance (1 of 4 stars; one submission).

Conditions:
Inborn genetic diseases. Identifiers: MedGen C0950123, MeSH D030342.

Submission:

Ambry Genetics
Classification: Uncertain significance for Inborn genetic diseases. Last evaluated: 2023-02-12. Review status: criteria provided, single submitter. Criteria: Ambry Variant Classification Scheme 2023. Collection method: clinical testing. Allele origin: germline.
Comment: The p.A526T variant (also known as c.1576G>A), located in coding exon 12 of the ACD gene, results from a G to A substitution at nucleotide position 1576. The alanine at codon 526 is replaced by threonine, an amino acid with similar properties. This amino acid position is conserved. In addition, this alteration is predicted to be tolerated by in silico analysis. Since supporting evidence is limited at this time, the clinical significance of this alteration remains unclear.